The following is an entry in ClinVar:

ClinVar aggregate classification (germline): Uncertain significance (1 of 4 stars; one submission).

Conditions:
Klippel-Feil syndrome 1, autosomal dominant (KFS1). Also called: CERVICAL VERTEBRAL FUSION, AUTOSOMAL DOMINANT. Identifiers: Orphanet 2345, MedGen C1861689, MONDO:0007306, OMIM 118100.
Microphthalmia, isolated, with coloboma 6 (MCOPCB6). Also called: Microphthalmia with coloboma 6, digenic; Microphthalmia with coloboma 6; MICROPHTHALMIA/COLOBOMA 6. Identifiers: Orphanet 98938, MedGen C3150968, MONDO:0013376, OMIM 613703.
Leber congenital amaurosis 17 (LCA17). Identifiers: MONDO:0014145, OMIM 615360, Orphanet 65, MedGen C3715164.
Isolated microphthalmia 4. Identifiers: Orphanet 2542, MedGen C2751307, MONDO:0013130, OMIM 613094.

Submission:

Labcorp Genetics (formerly Invitae), Labcorp
Classification: Uncertain significance for Isolated microphthalmia 4; Leber congenital amaurosis 17; Klippel-Feil syndrome 1, autosomal dominant; Microphthalmia, isolated, with coloboma 6. Last evaluated: 2025-01-12. Review status: criteria provided, single submitter. Criteria: Invitae Variant Classification Sherloc (09022015). Collection method: clinical testing. Allele origin: germline.
Comment: This sequence change replaces glycine, which is neutral and non-polar, with aspartic acid, which is acidic and polar, at codon 163 of the GDF6 protein (p.Gly163Asp). This variant is present in population databases (no rsID available, gnomAD 0.001%). This variant has not been reported in the literature in individuals affected with GDF6-related conditions. Invitae Evidence Modeling of protein sequence and biophysical properties (such as structural, functional, and spatial information, amino acid conservation, physicochemical variation, residue mobility, and thermodynamic stability) has been performed for this missense variant. However, the output from this modeling did not meet the statistical confidence thresholds required to predict the impact of this variant on GDF6 protein function. In summary, the available evidence is currently insufficient to determine the role of this variant in disease. Therefore, it has been classified as a Variant of Uncertain Significance.

NM_001001557.4(GDF6):c.488G>A (p.Gly163Asp)

Gene: GDF6 (growth differentiation factor 6; minus strand). Cytogenetic location: 8q22.1.
Variant type: single nucleotide variant.
Coding change: c.488G>A on transcript NM_001001557.4 (MANE Select); coding-DNA position 488, G replaced by A.
Protein change: p.Gly163Asp; replaces glycine 163 with aspartic acid.
Molecular consequence: missense variant.
Genome position (GRCh38, 1-based): chr8:96,145,443, C>T on the plus strand (G>A on the coding strand, the complement: GDF6 is on the minus strand). VCF-style: chr8-96145443-C-T. GRCh37 (hg19) VCF-style: chr8-97157671-C-T.
Other names: short protein forms G163D.
Identifiers: ClinVar variation 3761255 (VCV003761255.2).